The following is an entry in ClinVar:

NM_015338.6(ASXL1):c.3415A>G (p.Thr1139Ala)

Gene: ASXL1 (ASXL transcriptional regulator 1; plus strand). Cytogenetic location: 20q11.21.
Variant type: single nucleotide variant.
Coding change: c.3415A>G on transcript NM_015338.6 (MANE Select); coding-DNA position 3415, A replaced by G.
Protein change: p.Thr1139Ala; replaces threonine 1139 with alanine.
Molecular consequence: missense variant.
Genome position (GRCh38, 1-based): chr20:32,436,127, A>G. VCF-style: chr20-32436127-A-G. GRCh37 (hg19) VCF-style: chr20-31023930-A-G.
Other names: c.3232A>G, p.Thr1078Ala (NM_001363734.1); short protein forms T1139A, T1078A.
Identifiers: ClinVar variation 3703212 (VCV003703212.3).

ClinVar aggregate classification (germline): Uncertain significance. Review status: criteria provided, multiple submitters, no conflicts (2 of 4 stars). 2 submissions from 2 submitters: Uncertain significance (2). Last evaluated 2024-12-20.

Conditions:
Inborn genetic diseases. Identifiers: MedGen C0950123, MeSH D030342.

gnomAD v4.1: 6 of 1,614,214 alleles (0.00037%); highest among the groups gnomAD compares: South Asian, 0.0055%; no homozygotes.

Submissions (2):

Ambry Genetics
Classification: Uncertain significance for Inborn genetic diseases. Last evaluated: 2024-12-20. Review status: criteria provided, single submitter. Criteria: Ambry Variant Classification Scheme 2023. Collection method: clinical testing. Allele origin: germline.
Comment: The p.T1139A variant (also known as c.3415A>G), located in coding exon 13 of the ASXL1 gene, results from an A to G substitution at nucleotide position 3415. The threonine at codon 1139 is replaced by alanine, an amino acid with similar properties. This amino acid position is conserved. In addition, this alteration is predicted to be tolerated by in silico analysis. Based on the available evidence, the clinical significance of this variant remains unclear.

Labcorp Genetics (formerly Invitae), Labcorp
Classification: Uncertain significance. Last evaluated: 2024-07-22. Review status: criteria provided, single submitter. Criteria: Invitae Variant Classification Sherloc (09022015). Collection method: clinical testing. Allele origin: germline.
Comment: This sequence change replaces threonine, which is neutral and polar, with alanine, which is neutral and non-polar, at codon 1139 of the ASXL1 protein (p.Thr1139Ala). This variant is present in population databases (no rsID available, gnomAD 0.003%). This variant has not been reported in the literature in individuals affected with ASXL1-related conditions. An algorithm developed to predict the effect of missense changes on protein structure and function outputs the following: PolyPhen-2: "Benign". The alanine amino acid residue is found in multiple mammalian species, which suggests that this missense change does not adversely affect protein function. In summary, the available evidence is currently insufficient to determine the role of this variant in disease. Therefore, it has been classified as a Variant of Uncertain Significance.